The following is an entry in ClinVar:

NM_020708.5(SLC12A5):c.529G>C (p.Gly177Arg)

Gene: SLC12A5 (solute carrier family 12 member 5; plus strand). Cytogenetic location: 20q13.12.
Variant type: single nucleotide variant.
Coding change: c.529G>C on transcript NM_020708.5 (MANE Select); coding-DNA position 529, G replaced by C.
Protein change: p.Gly177Arg; replaces glycine 177 with arginine.
Molecular consequence: missense variant.
Genome position (GRCh38, 1-based): chr20:46,037,302, G>C. VCF-style: chr20-46037302-G-C. GRCh37 (hg19) VCF-style: chr20-44665941-G-C.
Other names: c.529G>C (NM_020708.4); c.598G>C, p.Gly200Arg (NM_001134771.2); short protein forms G177R, G200R.
Identifiers: ClinVar variation 1715218 (VCV001715218.7), dbSNP rs2515634829, ClinGen allele CA409188641.

ClinVar aggregate classification (germline): Uncertain significance. Review status: criteria provided, multiple submitters, no conflicts (2 of 4 stars). 2 submissions from 2 submitters: Uncertain significance (2). Last evaluated 2025-01-22.

Conditions:
Developmental and epileptic encephalopathy, 34 (DEE34). Also called: Early infantile epileptic encephalopathy 34; SLC12A5-Related Epilepsy of Infancy with Migrating Focal Seizures. Identifiers: Orphanet 293181, MedGen C4225257, MONDO:0014718, OMIM 616645.

Submissions (2):

GeneDx
Classification: Uncertain significance. Last evaluated: 2025-01-22. Review status: criteria provided, single submitter. Criteria: GeneDx Variant Classification Process June 2021. Collection method: clinical testing. Allele origin: germline. Affected: yes.
Comment: Not observed at significant frequency in large population cohorts (gnomAD); In silico analysis supports that this missense variant has a deleterious effect on protein structure/function; Has not been previously published as pathogenic or benign to our knowledge

Labcorp Genetics (formerly Invitae), Labcorp
Classification: Uncertain significance for Developmental and epileptic encephalopathy, 34. Last evaluated: 2022-08-05. Review status: criteria provided, single submitter. Criteria: Invitae Variant Classification Sherloc (09022015). Collection method: clinical testing. Allele origin: germline.
Comment: Advanced modeling of protein sequence and biophysical properties (such as structural, functional, and spatial information, amino acid conservation, physicochemical variation, residue mobility, and thermodynamic stability) performed at Invitae indicates that this missense variant is expected to disrupt SLC12A5 protein function. In summary, the available evidence is currently insufficient to determine the role of this variant in disease. Therefore, it has been classified as a Variant of Uncertain Significance. This variant has not been reported in the literature in individuals affected with SLC12A5-related conditions. This variant is not present in population databases (gnomAD no frequency). This sequence change replaces glycine, which is neutral and non-polar, with arginine, which is basic and polar, at codon 177 of the SLC12A5 protein (p.Gly177Arg).